The following is an entry in ClinVar:

ClinVar aggregate classification (germline): Uncertain significance. Review status: criteria provided, multiple submitters, no conflicts (2 of 4 stars). 5 submissions from 5 submitters: Uncertain significance (5). Last evaluated 2026-01-31.

Conditions:
Autosomal dominant osteopetrosis 1 (OPTA1). Also called: OSTEOPETROSIS, AUTOSOMAL DOMINANT, TYPE I. Identifiers: Orphanet 2783, MedGen C1843330, MONDO:0011877, OMIM 607634.
Polycystic liver disease 4 with or without kidney cysts. Identifiers: MedGen C4693479, MONDO:0044327, OMIM 617875.
Osteoporosis with pseudoglioma (OPPG). Also called: osteoporosis-pseudoglioma syndrome. Identifiers: Orphanet 2788, MedGen C0432252, MONDO:0009820, OMIM 259770.
Worth disease. Also called: ENDOSTEAL HYPEROSTOSIS, AUTOSOMAL DOMINANT; Autosomal dominant osteosclerosis, Worth type; OSTEOSCLEROSIS, AUTOSOMAL DOMINANT. Identifiers: Orphanet 2790, MedGen C0432273, MONDO:0007764, OMIM 144750.
Exudative vitreoretinopathy 4 (EVR4). Identifiers: Orphanet 891, MedGen C1866176, MONDO:0011151, OMIM 601813.
Bone mineral density quantitative trait locus 1 (BMND1). Identifiers: MedGen C1866079, OMIM 601884.
Osteoporosis. Identifiers: MedGen C0029456, MONDO:0005298, OMIM 166710, HP:0000939.
Exudative vitreoretinopathy 1 (EVR1). Also called: FEVR, AUTOSOMAL DOMINANT; Familial exudative vitreoretinopathy, autosomal dominant; CRISWICK-SCHEPENS SYNDROME. Identifiers: Orphanet 891, Orphanet 90050, MedGen C1851402, MONDO:0007589, OMIM 133780.
LRP5-related disorder. Also called: LRP5-related condition.
Inborn genetic diseases. Identifiers: MedGen C0950123, MeSH D030342.

Allele frequency attached by ClinVar (database versions not stated): gnomAD exomes 0.00003; ExAC 0.00007.
gnomAD v4.1: 56 of 1,613,308 alleles (0.0035%); highest among the groups gnomAD compares: Non-Finnish European, 0.0044%; no homozygotes.

Submissions (5):

PreventionGenetics, part of Exact Sciences
Classification: Uncertain significance for LRP5-related condition. Last evaluated: 2026-01-31. Review status: criteria provided, single submitter. Criteria: ACMG Guidelines, 2015. Collection method: clinical testing. Allele origin: germline.
Comment: The LRP5 c.3829G>T variant is predicted to result in the amino acid substitution p.Ala1277Ser. To our knowledge, this variant has not been reported in the literature. This variant is present in 0.010% of alleles in individuals of European (Non-Finnish) descent in gnomAD. At this time, the clinical significance of this variant is uncertain due to the absence of conclusive functional and genetic evidence.

Women's Health and Genetics/Laboratory Corporation of America, LabCorp
Classification: Uncertain significance. Last evaluated: 2026-01-06. Review status: criteria provided, single submitter. Criteria: LabCorp Variant Classification Summary - May 2015. Collection method: clinical testing. Allele origin: germline.
Comment: Variant summary: LRP5 c.3829G>T (p.Ala1277Ser) results in a conservative amino acid change in the encoded protein sequence. Algorithms developed to predict the effect of missense changes on protein structure and function are either unavailable or do not agree on the potential impact of this missense change. The variant allele was found at a frequency of 3.2e-05 in 249776 control chromosomes. The available data on variant occurrences in the general population are insufficient to allow any conclusion about variant significance. c.3829G>T has been observed in one individual affected with Familial Exudative Vitreoretinopathy (Maggi_2024). The report does not provide unequivocal conclusions about association of the variant with Familial Exudative Vitreoretinopathy. To our knowledge, no experimental evidence demonstrating an impact on protein function has been reported. The following publication have been ascertained in the context of this evaluation (PMID: 38928247). ClinVar contains an entry for this variant (Variation ID: 1054364). Based on the evidence outlined above, the variant was classified as uncertain significance.

Labcorp Genetics (formerly Invitae), Labcorp
Classification: Uncertain significance. Last evaluated: 2025-10-07. Review status: criteria provided, single submitter. Criteria: Invitae Variant Classification Sherloc (09022015). Collection method: clinical testing. Allele origin: germline.
Comment: This sequence change replaces alanine, which is neutral and non-polar, with serine, which is neutral and polar, at codon 1277 of the LRP5 protein (p.Ala1277Ser). This variant is present in population databases (rs754686025, gnomAD 0.01%). This missense change has been observed in individual(s) with exudative vitreoretinopathy (PMID: 38928247). ClinVar contains an entry for this variant (Variation ID: 1054364). Invitae Evidence Modeling of protein sequence and biophysical properties (such as structural, functional, and spatial information, amino acid conservation, physicochemical variation, residue mobility, and thermodynamic stability) indicates that this missense variant is not expected to disrupt LRP5 protein function with a negative predictive value of 95%. In summary, the available evidence is currently insufficient to determine the role of this variant in disease. Therefore, it has been classified as a Variant of Uncertain Significance.

Ambry Genetics
Classification: Uncertain significance for Inborn genetic diseases. Last evaluated: 2023-08-14. Review status: criteria provided, single submitter. Criteria: Ambry Variant Classification Scheme 2023. Collection method: clinical testing. Allele origin: germline.

Fulgent Genetics
Classification: Uncertain significance for Exudative vitreoretinopathy 1; Worth disease; Osteoporosis; Osteoporosis with pseudoglioma; Exudative vitreoretinopathy 4; Bone mineral density quantitative trait locus 1; Autosomal dominant osteopetrosis 1; Polycystic liver disease 4 with or without kidney cysts. Last evaluated: 2021-11-11. Review status: criteria provided, single submitter. Criteria: ACMG Guidelines, 2015. Collection method: clinical testing. Allele origin: unknown.

Literature cited by the submitters: PubMed 38928247 (cited by Women's Health and Genetics/Laboratory Corporation of America, LabCorp and Labcorp Genetics (formerly Invitae), Labcorp).

NM_002335.4(LRP5):c.3829G>T (p.Ala1277Ser)

Gene: LRP5 (LDL receptor related protein 5; plus strand). Cytogenetic location: 11q13.2.
Variant type: single nucleotide variant.
Coding change: c.3829G>T on transcript NM_002335.4 (MANE Select); coding-DNA position 3829, G replaced by T.
Protein change: p.Ala1277Ser; replaces alanine 1277 with serine.
Molecular consequence: missense variant.
Genome position (GRCh38, 1-based): chr11:68,433,667, G>T. VCF-style: chr11-68433667-G-T. GRCh37 (hg19) VCF-style: chr11-68201135-G-T.
Other names: c.3829G>T (NM_002335.2, NM_002335.3); c.2086G>T, p.Ala696Ser (NM_001291902.2); short protein forms A1277S, A696S.
Identifiers: ClinVar variation 1054364 (VCV001054364.12), dbSNP rs754686025, ClinGen allele CA6150124.